The following is an entry in ClinVar:

ClinVar aggregate classification (germline): Uncertain significance. Review status: criteria provided, single submitter (1 of 4 stars). 2 submissions from 2 submitters: Uncertain significance (1). 1 of the submissions does not count toward it. Last evaluated 2022-09-08.

Conditions:
Heterotaxy, visceral, 7, autosomal (HTX7). Identifiers: Orphanet 450, MedGen C4225217, MONDO:0014762, OMIM 616749.
MMP21-related disorder. Also called: MMP21-related condition.

Allele frequency attached by ClinVar (database versions not stated): gnomAD exomes 0.00001; ExAC 0.00002.

Submissions (2):

PreventionGenetics, part of Exact Sciences
Classification: Uncertain significance for MMP21-related condition. Last evaluated: 2022-09-08. Review status: criteria provided, single submitter. Criteria: ACMG Guidelines, 2015. Collection method: clinical testing. Allele origin: germline.
Comment: The MMP21 c.1A>G variant is predicted to disrupt the translation initiation site (Start loss). No other start loss variants in MMP21 have been reported in the literature. This variant is reported in 0.011% of alleles in individuals of Ashkenazi Jewish descent in gnomAD. Although we suspect that this variant may be pathogenic, at this time, the clinical significance of this variant is uncertain due to the absence of conclusive functional and genetic evidence.

OMIM
Classification: Pathogenic for HETEROTAXY, VISCERAL, 7, AUTOSOMAL. Last evaluated: 2024-05-06. Review status: no assertion criteria provided. Collection method: literature only. Allele origin: germline. Not counted in ClinVar's aggregate classification.

Literature cited by the submitters: PubMed 26437028 (cited by OMIM).

NM_147191.1(MMP21):c.1A>G (p.Met1Val)

Gene: MMP21 (matrix metallopeptidase 21; minus strand). Cytogenetic location: 10q26.2.
Variant type: single nucleotide variant.
Coding change: c.1A>G on transcript NM_147191.1 (MANE Select); coding-DNA position 1, A replaced by G.
Protein change: p.Met1Val; changes the start codon (methionine 1).
Molecular consequence: missense variant, initiator codon variant.
Genome position (GRCh38, 1-based): chr10:125,775,821, T>C on the plus strand (A>G on the coding strand, the complement: MMP21 is on the minus strand). VCF-style: chr10-125775821-T-C. GRCh37 (hg19) VCF-style: chr10-127464390-T-C.
Other names: short protein forms M1V.
Identifiers: ClinVar variation 2636982 (VCV002636982.2), dbSNP rs750811711, ClinGen allele CA5738275.